The following is an entry in ClinVar:

ClinVar aggregate classification (germline): Uncertain significance. Review status: criteria provided, multiple submitters, no conflicts (2 of 4 stars). 2 submissions from 2 submitters: Uncertain significance (2). Last evaluated 2024-11-30.

Conditions:
Congenital myasthenic syndrome 20. Also called: Myasthenic syndrome, congenital, 20, presynaptic. Identifiers: MedGen C4310694, MONDO:0014939, OMIM 617143.
Neuronopathy, distal hereditary motor, type 7A. Also called: Neuronopathy, distal hereditary motor, type viia; NEURONOPATHY, DISTAL HEREDITARY MOTOR, HARDING TYPE VIIA; NEUROPATHY, DISTAL HEREDITARY MOTOR, HARDING TYPE VIIA; Neuronopathy, distal hereditary motor, autosomal dominant 7; HARPER-YOUNG MYOPATHY; HMN VIIA. Identifiers: Orphanet 139589, MedGen C1834703, MONDO:0008024, OMIM 158580.

Allele frequency attached by ClinVar (database versions not stated): gnomAD exomes below 0.00001 and 0.00002; gnomAD 0.00001.
gnomAD v4.1: 6 of 1,614,092 alleles (0.00037%); highest among the groups gnomAD compares: Admixed American, 0.0083%; no homozygotes.

Submissions (2):

Labcorp Genetics (formerly Invitae), Labcorp
Classification: Uncertain significance for Neuronopathy, distal hereditary motor, type 7A; Congenital myasthenic syndrome 20. Last evaluated: 2024-11-30. Review status: criteria provided, single submitter. Criteria: Invitae Variant Classification Sherloc (09022015). Collection method: clinical testing. Allele origin: germline.
Comment: This sequence change replaces proline, which is neutral and non-polar, with alanine, which is neutral and non-polar, at codon 227 of the SLC5A7 protein (p.Pro227Ala). This variant is present in population databases (no rsID available, gnomAD 0.009%). This variant has not been reported in the literature in individuals affected with SLC5A7-related conditions. ClinVar contains an entry for this variant (Variation ID: 663865). Invitae Evidence Modeling of protein sequence and biophysical properties (such as structural, functional, and spatial information, amino acid conservation, physicochemical variation, residue mobility, and thermodynamic stability) indicates that this missense variant is not expected to disrupt SLC5A7 protein function with a negative predictive value of 80%. In summary, the available evidence is currently insufficient to determine the role of this variant in disease. Therefore, it has been classified as a Variant of Uncertain Significance.

Breakthrough Genomics
Classification: Uncertain significance. Review status: criteria provided, single submitter. Criteria: ACMG Guidelines, 2015. Collection method: not provided. Allele origin: germline. Inheritance: Autosomal recessive inheritance. Affected: yes.

NM_021815.5(SLC5A7):c.679C>G (p.Pro227Ala)

Gene: SLC5A7 (solute carrier family 5 member 7; plus strand). Cytogenetic location: 2q12.3.
Variant type: single nucleotide variant.
Coding change: c.679C>G on transcript NM_021815.5 (MANE Select); coding-DNA position 679, C replaced by G.
Protein change: p.Pro227Ala; replaces proline 227 with alanine.
Molecular consequence: missense variant. On other transcripts: 5 prime UTR variant (1).
Genome position (GRCh38, 1-based): chr2:108,001,978, C>G. VCF-style: chr2-108001978-C-G. GRCh37 (hg19) VCF-style: chr2-108618434-C-G.
Other names: c.679C>G, p.Pro227Ala (NM_001305005.3); c.364C>G, p.Pro122Ala (NM_001305006.3); c.-63C>G (NM_001305007.3); short protein forms P122A, P227A.
Identifiers: ClinVar variation 663865 (VCV000663865.7), dbSNP rs1035258430, ClinGen allele CA53968423.
Genomic context (GRCh38, chr2:108,001,978, plus strand): 5'-TTGTCACATCCTGCAGTCGCAGACATCGGGTTCACTGCTGTGCATGCCAAATACCAAAAG[C>G]CGTGGCTGGGAACTGTTGACTCATCTGAAGTCTACTCTTGGCTTGATAGTTTTCTGTTGT-3'
Protein context (NP_068587.1, residues 217-237): FTAVHAKYQK[Pro227Ala]WLGTVDSSEV